The following is an entry in ClinVar:

NM_014208.3(DSPP):c.284C>T (p.Thr95Ile)

Genes: DMP1-AS1 (DMP1 and DSPP antisense RNA 1; minus strand), DSPP (dentin sialophosphoprotein; plus strand). Cytogenetic location: 4q22.1.
Variant type: single nucleotide variant.
Coding change: c.284C>T on transcript NM_014208.3 (MANE Select); coding-DNA position 284, C replaced by T.
Protein change: p.Thr95Ile; replaces threonine 95 with isoleucine.
Molecular consequence: missense variant.
Genome position (GRCh38, 1-based): chr4:87,612,470, C>T. VCF-style: chr4-87612470-C-T. GRCh37 (hg19) VCF-style: chr4-88533622-C-T.
Other names: short protein forms T95I.
Identifiers: ClinVar variation 3572594 (VCV003572594.1).
Genomic context (GRCh38, chr4:87,612,470, plus strand): 5'-GTCACAAGGGAGAAGGGAATGGCTCTAAGTGGGCAGAAGTAGGAGGGAAGAGTTTTTCTA[C>T]ATATTCCACATTAGCAAACGAAGAGGGGAATATTGAGGGCTGGAATGGGGACACAGGAAA-3'
Protein context (NP_055023.2, residues 85-105): WAEVGGKSFS[Thr95Ile]YSTLANEEGN

ClinVar aggregate classification (germline): Uncertain significance (1 of 4 stars; one submission).

Submission:

GeneDx
Classification: Uncertain significance. Last evaluated: 2024-07-08. Review status: criteria provided, single submitter. Criteria: GeneDx Variant Classification Process June 2021. Collection method: clinical testing. Allele origin: germline. Affected: yes.
Comment: Not observed at significant frequency in large population cohorts (gnomAD); In silico analysis indicates that this missense variant does not alter protein structure/function; Has not been previously published as pathogenic or benign to our knowledge